The following is an entry in ClinVar:

NM_014251.3(SLC25A13):c.1A>T (p.Met1Leu)

Genes: SLC25A13 (solute carrier family 25 member 13; minus strand), LOC129998833 (ATAC-STARR-seq lymphoblastoid silent region 18384; plus strand). Cytogenetic location: 7q21.3.
Variant type: single nucleotide variant.
Coding change: c.1A>T on transcript NM_014251.3 (MANE Select); coding-DNA position 1, A replaced by T.
Protein change: p.Met1Leu; changes the start codon (methionine 1).
Molecular consequence: missense variant, initiator codon variant. On other transcripts: non-coding transcript variant (1).
Genome position (GRCh38, 1-based): chr7:96,321,956, T>A on the plus strand (A>T on the coding strand, the complement: SLC25A13 is on the minus strand). VCF-style: chr7-96321956-T-A. GRCh37 (hg19) VCF-style: chr7-95951268-T-A.
Other names: c.1A>T, p.Met1Leu (NM_001160210.2); short protein forms M1L.
Identifiers: ClinVar variation 2581382 (VCV002581382.2), dbSNP rs758522194, ClinGen allele CA163524566.

ClinVar aggregate classification (germline): Uncertain significance. Review status: criteria provided, multiple submitters, no conflicts (2 of 4 stars). 2 submissions from 2 submitters: Uncertain significance (2). Last evaluated 2023-08-03.

Submissions (2):

Women's Health and Genetics/Laboratory Corporation of America, LabCorp
Classification: Uncertain significance. Last evaluated: 2023-08-03. Review status: criteria provided, single submitter. Criteria: LabCorp Variant Classification Summary - May 2015. Collection method: clinical testing. Allele origin: germline.
Comment: Variant summary: SLC25A13 c.1A>T (p.Met1Leu) alters the initiation codon and is predicted to result either in absence of the protein or truncation of the encoded protein due to translation initiation at a downstream codon. The next downstream methionine is located at codon 35 in exon 3. Two of three in-silico tools predict a benign effect of the variant on protein function. The variant was absent in 137244 control chromosomes. The available data on variant occurrences in the general population are insufficient to allow any conclusion about variant significance. To our knowledge, no occurrence of c.1A>T in individuals affected with Citrullinemia Type II and no experimental evidence demonstrating its impact on protein function have been reported. No submitters have cited clinical-significance assessments for this variant to ClinVar after 2014. Based on the evidence outlined above, the variant was classified as uncertain significance.

Blueprint Genetics
Classification: Uncertain significance. Last evaluated: 2020-05-13. Review status: criteria provided, single submitter. Criteria: ACMG Guidelines, 2015. Collection method: clinical testing. Allele origin: germline.